The following is an entry in ClinVar:

ClinVar aggregate classification (germline): Conflicting classifications of pathogenicity. Review status: criteria provided, conflicting classifications (1 of 4 stars). 10 submissions from 10 submitters: Uncertain significance (5); Likely benign (2). 3 of the submissions do not count toward it. Last evaluated 2025-07-30.

Conditions:
Thyroid dyshormonogenesis 6 (TDH6). Also called: HYPOTHYROIDISM, CONGENITAL, DUE TO DYSHORMONOGENESIS, 6; THYROID HORMONOGENESIS, GENETIC DEFECT IN, 6; Genetic transient congenital hypothyroidism. Identifiers: Orphanet 226316, Orphanet 95716, MedGen C1846632, MONDO:0011792, OMIM 607200.
Familial thyroid dyshormonogenesis. Identifiers: Orphanet 95716, MedGen C4273748, MONDO:0010132.
DUOX2-related disorder. Also called: DUOX2-related condition.
Congenital hypothyroidism. Identifiers: Orphanet 442, MedGen C0010308, MONDO:0018612, HP:0000851.

Allele frequency attached by ClinVar (database versions not stated): ExAC 0.00119; gnomAD 0.00142 and 0.00146; TOPMed 0.00169; 1000 Genomes Project 30x 0.00172; 1000 Genomes Project 0.00339.
gnomAD v4.1: 2,058 of 1,551,330 alleles (0.13%); highest among the groups gnomAD compares: Middle Eastern, 0.55%; 17 homozygotes.

Submissions (10):

PreventionGenetics, part of Exact Sciences
Classification: Uncertain significance for DUOX2-related condition. Last evaluated: 2025-07-30. Review status: criteria provided, single submitter. Criteria: ACMG Guidelines, 2015. Collection method: clinical testing. Allele origin: germline.
Comment: The DUOX2 c.598G>A variant is predicted to result in the amino acid substitution p.Gly200Arg. This variant was reported in an individuals with increased risk of inflammatory bowel disease (Grasberger et al 2021. PubMed ID: 33651715), an individual with lung disease and an unaffected control (Lee et al. 2006. PubMed ID: 16608528), and an individual with congenital hypothyroidism who was also positive for other potentially relevant variants in other genes (Stoupa et al. 2021. PubMed ID: 33692749). This variant is reported in 0.19% of alleles in individuals of African descent in gnomAD, including 3 homozygotes. While we suspect this variant is benign, at this time we interpret its clinical significance as uncertain due to the absence of conclusive functional and genetic evidence.

CeGaT Center for Human Genetics Tuebingen
Classification: Likely benign. Last evaluated: 2025-06-01. Review status: criteria provided, single submitter. Criteria: CeGaT Center For Human Genetics Tuebingen Variant Classification Criteria Version 2. Collection method: clinical testing. Allele origin: germline. Affected: yes. Observed: 1 variant allele.
Comment: DUOX2: BS2

Blueprint Genetics
Classification: Likely benign. Last evaluated: 2024-11-26. Review status: criteria provided, single submitter. Criteria: ACMG Guidelines, 2015. Collection method: clinical testing. Allele origin: germline.

Department of Pathology and Laboratory Medicine, Sinai Health System
Classification: Uncertain significance for Familial thyroid dyshormonogenesis; Thyroid dyshormonogenesis 6. Last evaluated: 2023-02-26. Review status: criteria provided, single submitter. Criteria: ACMG Guidelines, 2015. Collection method: research. Allele origin: germline.

Mendelics
Classification: Uncertain significance. Last evaluated: 2022-05-04. Review status: criteria provided, single submitter. Criteria: Mendelics Assertion Criteria 2019. Collection method: clinical testing. Allele origin: germline.

Illumina Laboratory Services, Illumina
Classification: Uncertain significance for Thyroid dyshormonogenesis 6. Last evaluated: 2017-04-27. Review status: criteria provided, single submitter. Criteria: ICSL Variant Classification Criteria 13 December 2019. Collection method: clinical testing. Allele origin: germline.
Comment: This variant was observed as part of a predisposition screen in an ostensibly healthy population. A literature search was performed for the gene, cDNA change, and amino acid change (where applicable). Publications were found based on this search. However, the evidence from the literature, in combination with allele frequency data from public databases where available, was not sufficient to rule this variant in or out of causing disease. Therefore, this variant is classified as a variant of unknown significance.

Breakthrough Genomics
Classification: Uncertain significance. Review status: criteria provided, single submitter. Criteria: ACMG Guidelines, 2015. Collection method: not provided. Allele origin: germline. Inheritance: Autosomal recessive inheritance. Affected: yes.

Clinical Genetics DNA and cytogenetics Diagnostics Lab, Erasmus MC, Erasmus Medical Center
Classification: Likely benign. Review status: no assertion criteria provided. Collection method: clinical testing. Allele origin: germline. Affected: yes. Study: VKGL Data-share Consensus. Not counted in ClinVar's aggregate classification.

Clinical Genetics, Academic Medical Center
Classification: Likely benign. Review status: no assertion criteria provided. Collection method: clinical testing. Allele origin: germline. Affected: yes. Study: VKGL Data-share Consensus. Not counted in ClinVar's aggregate classification.

Polak associated Lab, IMAGINE Institute
Classification: Pathogenic for Congenital hypothyroidism. Review status: no assertion criteria provided. Collection method: clinical testing. Allele origin: germline. Affected: yes. Not counted in ClinVar's aggregate classification.

Literature cited by the submitters: PubMed 16608528 (cited by Illumina Laboratory Services, Illumina).

NM_001363711.2(DUOX2):c.598G>A (p.Gly200Arg)

Gene: DUOX2 (dual oxidase 2; minus strand). Cytogenetic location: 15q21.1.
Variant type: single nucleotide variant.
Coding change: c.598G>A on transcript NM_001363711.2 (MANE Select); coding-DNA position 598, G replaced by A.
Protein change: p.Gly200Arg; replaces glycine 200 with arginine.
Molecular consequence: missense variant.
Genome position (GRCh38, 1-based): chr15:45,111,501, C>T on the plus strand (G>A on the coding strand, the complement: DUOX2 is on the minus strand). VCF-style: chr15-45111501-C-T. GRCh37 (hg19) VCF-style: chr15-45403699-C-T.
Other names: c.598G>A, p.Gly200Arg (NM_014080.5); short protein forms G200R.
Identifiers: ClinVar variation 888352 (VCV000888352.21), dbSNP rs2467827, ClinGen allele CA7538895.
Genomic context (GRCh38, chr15:45,111,501, plus strand): 5'-GCAGGGGGTTCTGCGAGTCTCGGGGGAAAGCGGGGTCGGGCCCCGACGCCAGCTGTCCCC[C>T]CGAGAAGCTCCGCAGCGCGTCGCTCCAGGAGTGCGAGGAGCCATAGATGGCGCTGCCGTC-3'
Protein context (NP_001350640.1, residues 190-210): SWSDALRSFS[Gly200Arg]GQLASGPDPA